The following is an entry in ClinVar:

NM_001250.6(CD40):c.804G>C (p.Glu268Asp)

Gene: CD40 (CD40 molecule; plus strand). Cytogenetic location: 20q13.12.
Variant type: single nucleotide variant.
Coding change: c.804G>C on transcript NM_001250.6 (MANE Select); coding-DNA position 804, G replaced by C.
Protein change: p.Glu268Asp; replaces glutamic acid 268 with aspartic acid.
Molecular consequence: missense variant. On other transcripts: 3 prime UTR variant (3), non-coding transcript variant (2).
Genome position (GRCh38, 1-based): chr20:46,129,010, G>C. VCF-style: chr20-46129010-G-C. GRCh37 (hg19) VCF-style: chr20-44757649-G-C.
Other names: c.*130G>C (NM_001302753.2, NM_001362758.2, NM_152854.4); c.816G>C, p.Glu272Asp (NM_001322421.2); c.648G>C, p.Glu216Asp (NM_001322422.2); short protein forms E272D, E216D, E268D.
Identifiers: ClinVar variation 1349673 (VCV001349673.3), dbSNP rs761207472, ClinGen allele CA9888677.

ClinVar aggregate classification (germline): Uncertain significance (1 of 4 stars; one submission).

Allele frequency attached by ClinVar (database versions not stated): gnomAD exomes 0.00001 and 0.00003; TOPMed 0.00001; ExAC 0.00004.
gnomAD v4.1: 10 of 1,614,198 alleles (0.00062%); highest among the groups gnomAD compares: Admixed American, 0.017%; no homozygotes.

Submission:

Labcorp Genetics (formerly Invitae), Labcorp
Classification: Uncertain significance. Last evaluated: 2021-10-31. Review status: criteria provided, single submitter. Criteria: Invitae Variant Classification Sherloc (09022015). Collection method: clinical testing. Allele origin: germline.
Comment: This sequence change replaces glutamic acid, which is acidic and polar, with aspartic acid, which is acidic and polar, at codon 268 of the CD40 protein (p.Glu268Asp). This variant is present in population databases (rs761207472, gnomAD 0.02%). This variant has not been reported in the literature in individuals affected with CD40-related conditions. Algorithms developed to predict the effect of missense changes on protein structure and function output the following: SIFT: "Tolerated"; PolyPhen-2: "Possibly Damaging"; Align-GVGD: "Class C0". The aspartic acid amino acid residue is found in multiple mammalian species, which suggests that this missense change does not adversely affect protein function. In summary, the available evidence is currently insufficient to determine the role of this variant in disease. Therefore, it has been classified as a Variant of Uncertain Significance.